The following continues an entry in ClinVar:

NM_000540.3(RYR1):c.6488G>A (p.Arg2163His)

Gene: RYR1. ClinVar aggregate classification (germline): Pathogenic; drug response. Pathogenic (1).

Submissions 13 to 17 of 17:

PreventionGenetics, part of Exact Sciences
Classification: Pathogenic. Last evaluated: 2013-11-20. Review status: criteria provided, single submitter. Criteria: ACMG Guidelines, 2015. Collection method: clinical testing. Allele origin: germline. Not counted in ClinVar's aggregate classification.

Juno Genomics, Hangzhou Juno Genomics, Inc
Classification: Pathogenic for Central core myopathy; Congenital multicore myopathy with external ophthalmoplegia; Malignant hyperthermia, susceptibility to, 1; King Denborough syndrome. Review status: criteria provided, single submitter. Criteria: ACMG Guidelines, 2015. Collection method: clinical testing. Allele origin: germline. Not counted in ClinVar's aggregate classification.
Comment: The prevalence of the variant in affected individuals is significantly increased compared to the prevalence in controls.;Co-segregation with disease in multiple affected family members.;Well-established in vitro or in vivo functional studies supportive of a damaging effect on the gene or gene product.;Multiple lines of computational evidence support a deleterious effect on the gene or gene product.;Located in a mutational hot spot and/or critical and well-established functional domain without benign variation.;Observed in a healthy adult individual for a recessive/dominant/X-linked disorder with full penetrance.

GeneReviews
Classification: Pathogenic for Central Core Disease. Last evaluated: 2010-05-11. Review status: no assertion criteria provided. Collection method: curation. Allele origin: unknown. Not counted in ClinVar's aggregate classification.
ClinVar note: Converted during submission from pathologic to Pathogenic.

OMIM
Classification: risk factor for MALIGNANT HYPERTHERMIA, SUSCEPTIBILITY TO, 1. Last evaluated: 1998-03-01. Review status: no assertion criteria provided. Collection method: literature only. Allele origin: germline. Not counted in ClinVar's aggregate classification.

RYR1 database
No classification provided. Review status: no classification provided. Collection method: not provided. Allele origin: unknown. Not counted in ClinVar's aggregate classification.

Literature cited by the submitters: PubMed 12124989 (cited by ClinPGx and Labcorp Genetics (formerly Invitae), Labcorp); PubMed 12208234 (cited by ClinPGx); PubMed 12411786 (cited by ClinPGx); PubMed 15731587 (cited by ClinPGx); PubMed 16732084 (cited by ClinPGx); PubMed 16835904 (cited by ClinPGx); PubMed 16917943 (cited by ClinPGx); PubMed 19648156 (cited by ClinPGx and Labcorp Genetics (formerly Invitae), Labcorp); PubMed 21455645 (cited by ClinPGx); PubMed 23558838 (cited by ClinPGx); PubMed 26951757 (cited by ClinPGx); PubMed 9497245 (cited by 3 submitters); PubMed 29169929 (cited by Labcorp Genetics (formerly Invitae), Labcorp); PubMed 30236257 (cited by Labcorp Genetics (formerly Invitae), Labcorp); PubMed 9334205 (cited by Labcorp Genetics (formerly Invitae), Labcorp); PubMed 9873004 (cited by Labcorp Genetics (formerly Invitae), Labcorp); PubMed 11524458 (cited by Labcorp Genetics (formerly Invitae), Labcorp); PubMed 27586648 (cited by Labcorp Genetics (formerly Invitae), Labcorp); PubMed 28687594 (cited by Labcorp Genetics (formerly Invitae), Labcorp); Tegazzin, V., Accorsi, A., Gritti, G., Arcelli, L., Di Giovanni, A. MH fulminant reaction after eight anaesthetics: a case report. Minerva Anestesiol. 60: 217-219, 1994. (cited by OMIM).